The following is an entry in ClinVar:

NM_000214.3(JAG1):c.2998A>G (p.Ile1000Val)

Gene: JAG1 (jagged canonical Notch ligand 1; minus strand). Cytogenetic location: 20p12.2.
Variant type: single nucleotide variant.
Coding change: c.2998A>G on transcript NM_000214.3 (MANE Select); coding-DNA position 2998, A replaced by G.
Protein change: p.Ile1000Val; replaces isoleucine 1000 with valine.
Molecular consequence: missense variant.
Genome position (GRCh38, 1-based): chr20:10,641,163, T>C on the plus strand (A>G on the coding strand, the complement: JAG1 is on the minus strand). VCF-style: chr20-10641163-T-C. GRCh37 (hg19) VCF-style: chr20-10621811-T-C.
Other names: c.2998A>G, p.Ile1000Val (LRG_1191t1); short protein forms I1000V.
Identifiers: ClinVar variation 596796 (VCV000596796.19), dbSNP rs773974344, ClinGen allele CA9764331.
Genomic context (GRCh38, chr20:10,641,163, plus strand): 5'-TTATACTTACAATGGCCACATGTATTTCATTGTTCGCTGAAGGGGAAGGCTCGCAAGCGA[T>C]GTAGATTGAATATTCAGCGGAAACATTCTTCAAAATATTCAAATTCCTCAATTCACTGCA-3'
Protein context (NP_000205.1, residues 990-1010): KNVSAEYSIY[Ile1000Val]ACEPSPSANN

ClinVar aggregate classification (germline): Conflicting classifications of pathogenicity. Review status: criteria provided, conflicting classifications (1 of 4 stars). 6 submissions from 6 submitters: Uncertain significance (5); Likely benign (1). Last evaluated 2024-09-17.

Conditions:
Deafness, congenital heart defects, and posterior embryotoxon (DCHE). Identifiers: MedGen C1866053, MONDO:0060713, OMIM 617992.
Alagille syndrome due to a JAG1 point mutation. Also called: Alagille Syndrome 1; HEPATIC DUCTULAR HYPOPLASIA, SYNDROMATIC; JAG1-Related Alagille Syndrome. Identifiers: Orphanet 261619, Orphanet 52, MedGen C1956125, MONDO:0016862, OMIM 118450.
Tetralogy of Fallot (TOF). Identifiers: Orphanet 3303, MedGen C0039685, MONDO:0008542, OMIM 187500, HP:0001636.
Charcot-Marie-Tooth disease, axonal, Type 2HH. Also called: CHARCOT-MARIE-TOOTH NEUROPATHY, TYPE 2HH. Identifiers: MedGen C5562003, MONDO:0030458, OMIM 619574.
Cardiovascular phenotype. Identifiers: MedGen CN230736.
Isolated Nonsyndromic Congenital Heart Disease.

Allele frequency attached by ClinVar (database versions not stated): gnomAD 0.00001; ExAC 0.00002; gnomAD exomes 0.00003; TOPMed 0.00003.
gnomAD v4.1: 73 of 1,613,956 alleles (0.0045%); highest among the groups gnomAD compares: East Asian, 0.018%; no homozygotes.

Submissions (6):

Ambry Genetics
Classification: Uncertain significance for Cardiovascular phenotype. Last evaluated: 2024-09-17. Review status: criteria provided, single submitter. Criteria: Ambry Variant Classification Scheme 2023. Collection method: clinical testing. Allele origin: germline.
Comment: The p.I1000V variant (also known as c.2998A>G), located in coding exon 24 of the JAG1 gene, results from an A to G substitution at nucleotide position 2998. The isoleucine at codon 1000 is replaced by valine, an amino acid with highly similar properties. This amino acid position is highly conserved in available vertebrate species. In addition, the in silico prediction for this alteration is inconclusive. Since supporting evidence is limited at this time, the clinical significance of this alteration remains unclear.

Labcorp Genetics (formerly Invitae), Labcorp
Classification: Uncertain significance for Alagille syndrome due to a JAG1 point mutation. Last evaluated: 2021-10-13. Review status: criteria provided, single submitter. Criteria: Invitae Variant Classification Sherloc (09022015). Collection method: clinical testing. Allele origin: germline.
Comment: Advanced modeling of protein sequence and biophysical properties (such as structural, functional, and spatial information, amino acid conservation, physicochemical variation, residue mobility, and thermodynamic stability) performed at Invitae indicates that this missense variant is not expected to disrupt JAG1 protein function. In summary, the available evidence is currently insufficient to determine the role of this variant in disease. Therefore, it has been classified as a Variant of Uncertain Significance. ClinVar contains an entry for this variant (Variation ID: 596796). This sequence change replaces isoleucine with valine at codon 1000 of the JAG1 protein (p.Ile1000Val). The isoleucine residue is highly conserved and there is a small physicochemical difference between isoleucine and valine. This variant is present in population databases (rs773974344, ExAC 0.004%). This variant has not been reported in the literature in individuals affected with JAG1-related conditions.

Fulgent Genetics
Classification: Uncertain significance for Alagille syndrome due to a JAG1 point mutation; Tetralogy of Fallot; Deafness, congenital heart defects, and posterior embryotoxon; Charcot-Marie-Tooth disease, axonal, Type 2HH. Last evaluated: 2021-08-23. Review status: criteria provided, single submitter. Criteria: ACMG Guidelines, 2015. Collection method: clinical testing. Allele origin: unknown.

Blueprint Genetics
Classification: Likely benign. Last evaluated: 2019-09-30. Review status: criteria provided, single submitter. Criteria: ACMG Guidelines, 2015. Collection method: clinical testing. Allele origin: germline.

Eurofins Ntd Llc (ga)
Classification: Uncertain significance. Last evaluated: 2018-04-06. Review status: criteria provided, single submitter. Criteria: EGL ClinVar v180209 classification definitions. Collection method: clinical testing. Allele origin: germline. Observed: 1 variant allele, 1 heterozygote.

Illumina Laboratory Services, Illumina
Classification: Uncertain significance for Isolated Nonsyndromic Congenital Heart Disease. Last evaluated: 2017-04-27. Review status: criteria provided, single submitter. Criteria: ICSL Variant Classification Criteria 13 December 2019. Collection method: clinical testing. Allele origin: germline.